The following is an entry in ClinVar:

NM_001367721.1(CASK):c.2005G>T (p.Ala669Ser)

Gene: CASK (calcium/calmodulin dependent serine protein kinase; minus strand). Cytogenetic location: Xp11.4.
Variant type: single nucleotide variant.
Coding change: c.2005G>T on transcript NM_001367721.1 (MANE Select); coding-DNA position 2005, G replaced by T.
Protein change: p.Ala669Ser; replaces alanine 669 with serine.
Molecular consequence: missense variant.
Genome position (GRCh38, 1-based): chrX:41,553,753, C>A on the plus strand (G>T on the coding strand, the complement: CASK is on the minus strand). VCF-style: chrX-41553753-C-A. GRCh37 (hg19) VCF-style: chrX-41413006-C-A.
Other names: c.1936G>T, p.Ala646Ser (NM_001126054.3); c.1918G>T, p.Ala640Ser (NM_001126055.3); c.1987G>T, p.Ala663Ser (NM_001410745.1); c.2005G>T, p.Ala669Ser (NM_003688.4); short protein forms A663S, A640S, A646S, A669S.
Identifiers: ClinVar variation 4744212 (VCV004744212.1).

ClinVar aggregate classification (germline): Uncertain significance (1 of 4 stars; one submission).

Conditions:
Intellectual disability, CASK-related, X-linked. Identifiers: MedGen CN043158.

Submission:

Labcorp Genetics (formerly Invitae), Labcorp
Classification: Uncertain significance for Intellectual disability, CASK-related, X-linked. Last evaluated: 2025-07-27. Review status: criteria provided, single submitter. Criteria: Invitae Variant Classification Sherloc (09022015). Collection method: clinical testing. Allele origin: germline.
Comment: This sequence change replaces alanine, which is neutral and non-polar, with serine, which is neutral and polar, at codon 669 of the CASK protein (p.Ala669Ser). This variant is not present in population databases (gnomAD no frequency). This variant has not been reported in the literature in individuals affected with CASK-related conditions. Invitae Evidence Modeling of protein sequence and biophysical properties (such as structural, functional, and spatial information, amino acid conservation, physicochemical variation, residue mobility, and thermodynamic stability) indicates that this missense variant is not expected to disrupt CASK protein function with a negative predictive value of 80%. In summary, the available evidence is currently insufficient to determine the role of this variant in disease. Therefore, it has been classified as a Variant of Uncertain Significance.